The following is an entry in ClinVar:

ClinVar aggregate classification (germline): Uncertain significance (1 of 4 stars; one submission).

Submission:

Ambry Genetics
Classification: Uncertain significance. Last evaluated: 2025-08-11. Review status: criteria provided, single submitter. Criteria: Ambry Variant Classification Scheme 2023. Collection method: clinical testing. Allele origin: germline.
Comment: The p.A1074T variant (also known as c.3220G>A), located in coding exon 12 of the WNK2 gene, results from a G to A substitution at nucleotide position 3220. The alanine at codon 1074 is replaced by threonine, an amino acid with similar properties. This amino acid position is conserved. In addition, this alteration is predicted to be tolerated by in silico analysis. Based on the available evidence, the clinical significance of this variant remains unclear.

NM_006648.4(WNK2):c.3220G>A (p.Ala1074Thr)

Gene: WNK2 (WNK lysine deficient protein kinase 2; plus strand). Cytogenetic location: 9q22.31.
Variant type: single nucleotide variant.
Coding change: c.3220G>A on transcript NM_006648.4 (MANE Select); coding-DNA position 3220, G replaced by A.
Protein change: p.Ala1074Thr; replaces alanine 1074 with threonine.
Molecular consequence: missense variant.
Genome position (GRCh38, 1-based): chr9:93,261,967, G>A. VCF-style: chr9-93261967-G-A. GRCh37 (hg19) VCF-style: chr9-96024249-G-A.
Other names: c.3220G>A, p.Ala1074Thr (NM_001282394.3); short protein forms A1074T.
Identifiers: ClinVar variation 4201738 (VCV004201738.1).